The following is an entry in ClinVar:

NM_024312.5(GNPTAB):c.228C>T (p.Asp76=)

Gene: GNPTAB (N-acetylglucosamine-1-phosphate transferase subunits alpha and beta; minus strand). Cytogenetic location: 12q23.2.
Variant type: single nucleotide variant.
Coding change: c.228C>T on transcript NM_024312.5 (MANE Select); coding-DNA position 228, C replaced by T.
Protein change: p.Asp76=; no amino-acid change (aspartic acid 76 retained).
Molecular consequence: synonymous variant.
Genome position (GRCh38, 1-based): chr12:101,790,033, G>A on the plus strand (C>T on the coding strand, the complement: GNPTAB is on the minus strand). VCF-style: chr12-101790033-G-A. GRCh37 (hg19) VCF-style: chr12-102183811-G-A.
Identifiers: ClinVar variation 753672 (VCV000753672.14), dbSNP rs540190619, ClinGen allele CA6746950.

ClinVar aggregate classification (germline): Benign/Likely benign. Review status: criteria provided, multiple submitters, no conflicts (2 of 4 stars). 4 submissions from 4 submitters: Benign (1); Likely benign (1). 2 of the submissions do not count toward it. Last evaluated 2026-01-26.

Conditions:
Mucolipidosis type II. Also called: Mucolipidosis 2; ML 2; Inclusion cell disease; Leroy Disease; N-acetylglucosamine 1phosphotransferase deficiency; ML disorder type 2. Identifiers: Orphanet 576, MedGen C2673377, MONDO:0009650, OMIM 252500.
Pseudo-Hurler polydystrophy. Also called: Type III Mucolipidosis; ML IIIA; MUCOLIPIDOSIS IIIA; ML III; ML III ALPHA/BETA; Mucolipidosis III Alpha/Beta. Identifiers: Orphanet 423461, Orphanet 577, MedGen C0033788, MONDO:0018931, OMIM 252600.
GNPTAB-Related Disorders. Also called: GNPTAB-related condition; GNPTAB-related disorder. Identifiers: MedGen CN381523.

Allele frequency attached by ClinVar (database versions not stated): gnomAD 0.00001 and 0.00005; TOPMed 0.00003; gnomAD exomes 0.00010 and 0.00021; ExAC 0.00028; 1000 Genomes Project 30x 0.00062; 1000 Genomes Project 0.00080.
gnomAD v4.1: 160 of 1,614,034 alleles (0.0099%); highest among the groups gnomAD compares: South Asian, 0.15%; 1 homozygote.

Submissions (4):

Labcorp Genetics (formerly Invitae), Labcorp
Classification: Benign for Pseudo-Hurler polydystrophy; Mucolipidosis type II. Last evaluated: 2026-01-26. Review status: criteria provided, single submitter. Criteria: Invitae Variant Classification Sherloc (09022015). Collection method: clinical testing. Allele origin: germline.

Blueprint Genetics
Classification: Likely benign. Last evaluated: 2024-05-06. Review status: criteria provided, single submitter. Criteria: ACMG Guidelines, 2015. Collection method: clinical testing. Allele origin: germline.

Natera, Inc.
Classification: Likely benign for Mucolipidosis type II. Last evaluated: 2020-03-18. Review status: no assertion criteria provided. Collection method: clinical testing. Allele origin: germline. Not counted in ClinVar's aggregate classification.

PreventionGenetics, part of Exact Sciences
Classification: Likely benign for GNPTAB-related condition. Last evaluated: 2019-05-20. Review status: no assertion criteria provided. Collection method: clinical testing. Allele origin: germline. Not counted in ClinVar's aggregate classification.
Comment: This variant is classified as likely benign based on ACMG/AMP sequence variant interpretation guidelines (Richards et al. 2015 PMID: 25741868, with internal and published modifications).